The following is an entry in ClinVar:

NM_005120.3(MED12):c.5826+4A>G

Gene: MED12 (mediator complex subunit 12; plus strand). Cytogenetic location: Xq13.1.
Variant type: single nucleotide variant.
Coding change: c.5826+4A>G on transcript NM_005120.3 (MANE Select); 4 bases into the intron after coding-DNA position 5826, A replaced by G.
Molecular consequence: intron variant.
Genome position (GRCh38, 1-based): chrX:71,137,639, A>G. VCF-style: chrX-71137639-A-G. GRCh37 (hg19) VCF-style: chrX-70357489-A-G.
Identifiers: ClinVar variation 3619731 (VCV003619731.2).

ClinVar aggregate classification (germline): Uncertain significance (1 of 4 stars; one submission).

Conditions:
FG syndrome (FGS). Identifiers: MedGen C0220769, MONDO:0002010.

gnomAD v4.1: 2 of 1,205,514 alleles (0.00017%); highest among the groups gnomAD compares: Non-Finnish European, 0.00022%; no homozygotes.

Submission:

Labcorp Genetics (formerly Invitae), Labcorp
Classification: Uncertain significance for FG syndrome. Last evaluated: 2024-07-10. Review status: criteria provided, single submitter. Criteria: Invitae Variant Classification Sherloc (09022015). Collection method: clinical testing. Allele origin: germline.
Comment: This sequence change falls in intron 40 of the MED12 gene. It does not directly change the encoded amino acid sequence of the MED12 protein. It affects a nucleotide within the consensus splice site. This variant is not present in population databases (gnomAD no frequency). This variant has not been reported in the literature in individuals affected with MED12-related conditions. Variants that disrupt the consensus splice site are a relatively common cause of aberrant splicing (PMID: 17576681, 9536098). Algorithms developed to predict the effect of sequence changes on RNA splicing suggest that this variant is not likely to affect RNA splicing. In summary, the available evidence is currently insufficient to determine the role of this variant in disease. Therefore, it has been classified as a Variant of Uncertain Significance.

Literature cited by the submitters: PubMed 17576681; PubMed 9536098.